The following is an entry in ClinVar:

NM_000278.5(PAX2):c.793-104C>T

Gene: PAX2 (paired box 2; plus strand). Cytogenetic location: 10q24.31.
Variant type: single nucleotide variant.
Coding change: c.793-104C>T on transcript NM_000278.5 (MANE Select); 104 bases into the intron before coding-DNA position 793, C replaced by T.
Molecular consequence: intron variant.
Genome position (GRCh38, 1-based): chr10:100,809,006, C>T. VCF-style: chr10-100809006-C-T. GRCh37 (hg19) VCF-style: chr10-102568763-C-T.
Other names: c.886-104C>T (NM_001304569.2); c.862-104C>T (NM_003987.5, NM_003990.5); c.793-104C>T (NM_003988.5, NM_003989.5).
Identifiers: ClinVar variation 4852740 (VCV004852740.2).
Genomic context (GRCh38, chr10:100,809,006, plus strand): 5'-AAAACTTGCCATCATCCACCAAGCCCCCGCATCTCCCCTCTGCCCCACCATCTCTTTCTA[C>T]CCCATCTGGGCGGGCTCCCCTGTTCCTCCTCCCCATCTGCACACCGAGCCCTTTCTCTGT-3'

ClinVar aggregate classification (germline): Likely benign (1 of 4 stars; one submission).

gnomAD v4.1: 1 of 1,064,506 alleles (0.000094%); no homozygotes.

Submission:

Dasa
Classification: Likely benign. Last evaluated: 2025-12-23. Review status: criteria provided, single submitter. Criteria: DASA Assertion Criteria. Collection method: clinical testing. Allele origin: germline.
Comment: NM_000278.5(PAX2):c.793-104C>T is an intronic variant. The variant context is inconsistent with a known disease-causing mechanism. Computational prediction algorithms are consistent with a benign effect. Therefore, based on the currently available evidence, this variant is classified as likely benign.